The following is an entry in ClinVar:

NM_015338.6(ASXL1):c.340A>G (p.Asn114Asp)

Gene: ASXL1 (ASXL transcriptional regulator 1; plus strand). Cytogenetic location: 20q11.21.
Variant type: single nucleotide variant.
Coding change: c.340A>G on transcript NM_015338.6 (MANE Select); coding-DNA position 340, A replaced by G.
Protein change: p.Asn114Asp; replaces asparagine 114 with aspartic acid.
Molecular consequence: missense variant.
Genome position (GRCh38, 1-based): chr20:32,428,215, A>G. VCF-style: chr20-32428215-A-G. GRCh37 (hg19) VCF-style: chr20-31016018-A-G.
Other names: c.310A>G, p.Asn104Asp (NM_001363734.1); short protein forms N104D, N114D.
Identifiers: ClinVar variation 4865081 (VCV004865081.1).

ClinVar aggregate classification (germline): Uncertain significance (1 of 4 stars; one submission).

Conditions:
Inborn genetic diseases. Identifiers: MedGen C0950123, MeSH D030342.

Submission:

Ambry Genetics
Classification: Uncertain significance for Inborn genetic diseases. Last evaluated: 2026-06-12. Review status: criteria provided, single submitter. Criteria: Ambry Variant Classification Scheme 2023. Collection method: clinical testing. Allele origin: germline.
Comment: The p.N114D variant (also known as c.340A>G), located in coding exon 5 of the ASXL1 gene, results from an A to G substitution at nucleotide position 340. The asparagine at codon 114 is replaced by aspartic acid, an amino acid with highly similar properties. This amino acid position is conserved. In addition, this alteration is predicted to be tolerated by in silico analysis. Based on the available evidence, the clinical significance of this variant remains unclear.